The following is an entry in ClinVar:

ClinVar aggregate classification (germline): Pathogenic. Review status: criteria provided, multiple submitters, no conflicts (2 of 4 stars). 3 submissions from 3 submitters: Pathogenic (2). 1 of the submissions does not count toward it. Last evaluated 2025-06-15.

Conditions:
Hereditary spastic paraplegia 4. Also called: Spastic paraplegia 4, autosomal dominant; Familial spastic paraplegia autosomal dominant 2; Spastic Paraplegia 4. Identifiers: Orphanet 100985, MedGen C1866855, MONDO:0008438, OMIM 182601.

Submissions (3):

Labcorp Genetics (formerly Invitae), Labcorp
Classification: Pathogenic for Hereditary spastic paraplegia 4. Last evaluated: 2025-06-15. Review status: criteria provided, single submitter. Criteria: Invitae Variant Classification Sherloc (09022015). Collection method: clinical testing. Allele origin: germline.
Comment: This sequence change falls in intron 11 of the SPAST gene. It does not directly change the encoded amino acid sequence of the SPAST protein. It affects a nucleotide within the consensus splice site. This variant is not present in population databases (gnomAD no frequency). This variant has been observed in individuals with clinical features of hereditary spastic paraplegia (PMID: 11309678; internal data). It has also been observed to segregate with disease in related individuals. This variant is also known as IVS11+2insT. ClinVar contains an entry for this variant (Variation ID: 5667). Variants that disrupt the consensus splice site are a relatively common cause of aberrant splicing (PMID: 17576681, 9536098). Studies have shown that this variant alters mRNA splicing and is expected to lead to the loss of protein expression (PMID: 11309678, 11704932). For these reasons, this variant has been classified as Pathogenic.

Mayo Clinic Laboratories, Mayo Clinic
Classification: Pathogenic. Last evaluated: 2021-01-04. Review status: criteria provided, single submitter. Criteria: ACMG Guidelines, 2015. Collection method: clinical testing. Allele origin: germline. Observed: 1 variant allele.
Comment: PVS1, PM2

OMIM
Classification: Pathogenic for SPASTIC PARAPLEGIA 4. Last evaluated: 2001-12-01. Review status: no assertion criteria provided. Collection method: literature only. Allele origin: germline. Not counted in ClinVar's aggregate classification.

Literature cited by the submitters: PubMed 11309678 (cited by Labcorp Genetics (formerly Invitae), Labcorp and Mayo Clinic Laboratories, Mayo Clinic); PubMed 17576681 (cited by Labcorp Genetics (formerly Invitae), Labcorp); PubMed 9536098 (cited by Labcorp Genetics (formerly Invitae), Labcorp); PubMed 11704932 (cited by 3 submitters).

NM_014946.4(SPAST):c.1413+2dup

Gene: SPAST (spastin; plus strand). Cytogenetic location: 2p22.3.
Variant type: Duplication.
Coding change: c.1413+2dup on transcript NM_014946.4 (MANE Select); the canonical splice donor site of the intron after coding-DNA position 1413, one base duplicated (T; older notation c.1413+2dupT).
Molecular consequence: splice donor variant.
Genome position (GRCh38, 1-based): chr2:32,136,970, T duplicated. VCF-style (leftmost placement, unchanged base first): chr2-32136969-G-GT. GRCh37 (hg19) VCF-style: chr2-32362038-G-GT.
Other names: c.1317+2dup (NM_199436.2, NM_001377959.1); c.1410+2dup (NM_001363823.2); c.1314+2dup (NM_001363875.2); c.1413+2dupT (NM_014946.3).
Identifiers: ClinVar variation 5667 (VCV000005667.8), dbSNP rs587777756, ClinGen allele CA253559.